The following is an entry in ClinVar:

ClinVar aggregate classification (germline): Uncertain significance (1 of 4 stars; one submission).

Submission:

Labcorp Genetics (formerly Invitae), Labcorp
Classification: Uncertain significance. Last evaluated: 2023-10-13. Review status: criteria provided, single submitter. Criteria: Invitae Variant Classification Sherloc (09022015). Collection method: clinical testing. Allele origin: germline.
Comment: This sequence change replaces alanine, which is neutral and non-polar, with proline, which is neutral and non-polar, at codon 612 of the DGKZ protein (p.Ala612Pro). This variant is not present in population databases (gnomAD no frequency). This variant has not been reported in the literature in individuals affected with DGKZ-related conditions. An algorithm developed to predict the effect of missense changes on protein structure and function (PolyPhen-2) suggests that this variant is likely to be disruptive. In summary, the available evidence is currently insufficient to determine the role of this variant in disease. Therefore, it has been classified as a Variant of Uncertain Significance.

NM_001199267.2(DGKZ):c.1267G>C (p.Ala423Pro)

Gene: DGKZ (diacylglycerol kinase zeta; plus strand). Cytogenetic location: 11p11.2.
Variant type: single nucleotide variant.
Coding change: c.1267G>C on transcript NM_001199267.2 (MANE Select); coding-DNA position 1267, G replaced by C.
Protein change: p.Ala423Pro; replaces alanine 423 with proline.
Molecular consequence: missense variant.
Genome position (GRCh38, 1-based): chr11:46,373,045, G>C. VCF-style: chr11-46373045-G-C. GRCh37 (hg19) VCF-style: chr11-46394595-G-C.
Other names: c.1201G>C, p.Ala401Pro (NM_001199268.2); c.1270G>C, p.Ala424Pro (NM_003646.4, NM_001199266.2); c.1318G>C, p.Ala440Pro (NM_201532.3); c.1282G>C, p.Ala428Pro (NM_201533.3); c.1834G>C, p.Ala612Pro (NM_001105540.2); short protein forms A401P, A423P, A424P, A612P, A428P, A440P.
Identifiers: ClinVar variation 2829539 (VCV002829539.3), dbSNP rs141331800, ClinGen allele CA380221068.